The following is an entry in ClinVar:

ClinVar aggregate classification (germline): Likely benign. Review status: criteria provided, multiple submitters, no conflicts (2 of 4 stars). 2 submissions from 2 submitters: Likely benign (2). Last evaluated 2025-05-23.

Conditions:
Cohen syndrome (COH1). Also called: Cutis verticis gyrata, retinitis pigmentosa, and sensorineural deafness; PEPPER SYNDROME. Identifiers: Orphanet 193, MedGen C0265223, MONDO:0008999, OMIM 216550.
VPS13B-related disorder. Also called: VPS13B-related condition.

Allele frequency attached by ClinVar (database versions not stated): gnomAD exomes below 0.00001.
gnomAD v4.1: 2 of 1,613,402 alleles (0.00012%); highest among the groups gnomAD compares: Non-Finnish European, 0.00017%; no homozygotes.

Submissions (2):

PreventionGenetics, part of Exact Sciences
Classification: Likely benign for VPS13B-related condition. Last evaluated: 2025-05-23. Review status: criteria provided, single submitter. Criteria: ACMG Guidelines, 2015. Collection method: clinical testing. Allele origin: germline.
Comment: This variant is classified as likely benign based on ACMG/AMP sequence variant interpretation guidelines (Richards et al. 2015 PMID: 25741868, with internal and published modifications).

Labcorp Genetics (formerly Invitae), Labcorp
Classification: Likely benign for Cohen syndrome. Last evaluated: 2021-02-05. Review status: criteria provided, single submitter. Criteria: Invitae Variant Classification Sherloc (09022015). Collection method: clinical testing. Allele origin: germline.

NM_152564.5(VPS13B):c.10868-6T>C

Gene: VPS13B (vacuolar protein sorting 13 homolog B; plus strand). Cytogenetic location: 8q22.2.
Variant type: single nucleotide variant.
Coding change: c.10868-6T>C on transcript NM_152564.5 (MANE Select); 6 bases into the intron before coding-DNA position 10868, T replaced by C.
Molecular consequence: intron variant.
Genome position (GRCh38, 1-based): chr8:99,859,298, T>C. VCF-style: chr8-99859298-T-C. GRCh37 (hg19) VCF-style: chr8-100871526-T-C.
Other names: c.10868-6T>C (NM_152564.4); c.10943-6T>C (NM_017890.5).
Identifiers: ClinVar variation 1147933 (VCV001147933.10), dbSNP rs2130933328, ClinGen allele CA2499219502.
Genomic context (GRCh38, chr8:99,859,298, plus strand): 5'-TTTTCACAAATGTTGAAAGTTCTGCATTTGAGGTTTCAATCACCCCTTCCCTCTTGTGCG[T>C]TGCAGGCTGGGTAGTTGGGTCTCTGGATATTCTTGGCAGCCCTGCAAGCCTGGTGAGAAG-3'